The following is an entry in ClinVar:

NM_016938.5(EFEMP2):c.1289C>T (p.Ser430Phe)

Genes: EFEMP2 (EGF-like fibulin extracellular matrix protein 2; minus strand), MUS81 (MUS81 structure-specific endonuclease subunit; plus strand). Cytogenetic location: 11q13.1.
Variant type: single nucleotide variant.
Coding change: c.1289C>T on transcript NM_016938.5 (MANE Select); coding-DNA position 1289, C replaced by T.
Protein change: p.Ser430Phe; replaces serine 430 with phenylalanine.
Molecular consequence: missense variant. On other transcripts: non-coding transcript variant (1).
Genome position (GRCh38, 1-based): chr11:65,866,961, G>A on the plus strand (C>T on the coding strand, the complement: EFEMP2 is on the minus strand). VCF-style: chr11-65866961-G-A. GRCh37 (hg19) VCF-style: chr11-65634432-G-A.
Other names: short protein forms S430F.
Identifiers: ClinVar variation 4614074 (VCV004614074.1).

ClinVar aggregate classification (germline): Uncertain significance (1 of 4 stars; one submission).

Conditions:
Cardiovascular phenotype. Identifiers: MedGen CN230736.

Submission:

Ambry Genetics
Classification: Uncertain significance for Cardiovascular phenotype. Last evaluated: 2025-10-26. Review status: criteria provided, single submitter. Criteria: Ambry Variant Classification Scheme 2023. Collection method: clinical testing. Allele origin: germline.
Comment: The p.S430F variant (also known as c.1289C>T), located in coding exon 10 of the EFEMP2 gene, results from a C to T substitution at nucleotide position 1289. The serine at codon 430 is replaced by phenylalanine, an amino acid with highly dissimilar properties. This amino acid position is conserved. In addition, this alteration is predicted to be deleterious by in silico analysis. Based on the available evidence, the clinical significance of this variant remains unclear.